The following is an entry in ClinVar:

NM_000321.3(RB1):c.1117A>T (p.Thr373Ser)

Gene: RB1 (RB transcriptional corepressor 1; plus strand). Cytogenetic location: 13q14.2.
Variant type: single nucleotide variant.
Coding change: c.1117A>T on transcript NM_000321.3 (MANE Select); coding-DNA position 1117, A replaced by T.
Protein change: p.Thr373Ser; replaces threonine 373 with serine.
Molecular consequence: missense variant.
Genome position (GRCh38, 1-based): chr13:48,368,594, A>T. VCF-style: chr13-48368594-A-T. GRCh37 (hg19) VCF-style: chr13-48942730-A-T.
Other names: short protein forms T373S.
Identifiers: ClinVar variation 958470 (VCV000958470.11), dbSNP rs1952727463, ClinGen allele CA388161352.

ClinVar aggregate classification (germline): Uncertain significance. Review status: criteria provided, multiple submitters, no conflicts (2 of 4 stars). 3 submissions from 3 submitters: Uncertain significance (3). Last evaluated 2026-05-03.

Conditions:
Hereditary cancer-predisposing syndrome. Also called: Neoplastic Syndromes, Hereditary; Tumor predisposition; Hereditary neoplastic syndrome; Hereditary Cancer Syndrome. Identifiers: Orphanet 140162, MedGen C0027672, MeSH D009386, MONDO:0015356.
Retinoblastoma (RB1). Also called: RETINOBLASTOMA, SOMATIC. Identifiers: Orphanet 790, MedGen C0035335, MeSH D012175, MONDO:0008380, OMIM 180200, HP:0009919. Disease mechanism: loss of function. Inheritance: Both sporadic and heritable forms are tested..

Allele frequency attached by ClinVar (database versions not stated): gnomAD exomes below 0.00001.
gnomAD v4.1: 4 of 1,612,812 alleles (0.00025%); highest among the groups gnomAD compares: Non-Finnish European, 0.00034%; no homozygotes.

Submissions (3):

Ambry Genetics
Classification: Uncertain significance for Hereditary cancer-predisposing syndrome. Last evaluated: 2026-05-03. Review status: criteria provided, single submitter. Criteria: Ambry Variant Classification Scheme 2023. Collection method: clinical testing. Allele origin: germline.
Comment: The p.T373S variant (also known as c.1117A>T), located in coding exon 11 of the RB1 gene, results from an A to T substitution at nucleotide position 1117. The threonine at codon 373 is replaced by serine, an amino acid with similar properties. This amino acid position is conserved. In addition, this alteration is predicted to be deleterious by in silico analysis. Based on the available evidence, the clinical significance of this variant remains unclear.

GeneDx
Classification: Uncertain significance. Last evaluated: 2026-03-17. Review status: criteria provided, single submitter. Criteria: GeneDx Variant Classification Process June 2021. Collection method: clinical testing. Allele origin: germline.
Comment: Not observed at significant frequency in large population cohorts (gnomAD); In silico analysis supports that this missense variant has a deleterious effect on protein structure/function; Has not been previously published as pathogenic or benign to our knowledge

Labcorp Genetics (formerly Invitae), Labcorp
Classification: Uncertain significance for Retinoblastoma. Last evaluated: 2019-10-24. Review status: criteria provided, single submitter. Criteria: Invitae Variant Classification Sherloc (09022015). Collection method: clinical testing. Allele origin: germline.
Comment: This sequence change replaces threonine with serine at codon 373 of the RB1 protein (p.Thr373Ser). The threonine residue is highly conserved and there is a small physicochemical difference between threonine and serine. This variant is not present in population databases (ExAC no frequency). This variant has not been reported in the literature in individuals with RB1-related conditions. Algorithms developed to predict the effect of missense changes on protein structure and function (SIFT, PolyPhen-2, Align-GVGD) all suggest that this variant is likely to be disruptive, but these predictions have not been confirmed by published functional studies and their clinical significance is uncertain. In summary, the available evidence is currently insufficient to determine the role of this variant in disease. Therefore, it has been classified as a Variant of Uncertain Significance.